The following is an entry in ClinVar:

NM_175634.3(RUNX1T1):c.1737G>A (p.Pro579=)

Gene: RUNX1T1 (RUNX1 partner transcriptional co-repressor 1; minus strand). Cytogenetic location: 8q21.3.
Variant type: single nucleotide variant.
Coding change: c.1737G>A on transcript NM_175634.3 (MANE Select); coding-DNA position 1737, G replaced by A.
Protein change: p.Pro579=; no amino-acid change (proline 579 retained).
Molecular consequence: synonymous variant.
Genome position (GRCh38, 1-based): chr8:91,960,320, C>T on the plus strand (G>A on the coding strand, the complement: RUNX1T1 is on the minus strand). VCF-style: chr8-91960320-C-T. GRCh37 (hg19) VCF-style: chr8-92972548-C-T.
Other names: c.1656G>A, p.Pro552= (NM_001198625.2, NM_001198632.2, NM_004349.4); c.1737G>A, p.Pro579= (NM_001198626.2, NM_001198627.2, NM_001198628.2 and 3 more transcripts); c.1677G>A, p.Pro559= (NM_001198633.2); c.1770G>A, p.Pro590= (NM_001198634.2); c.1914G>A, p.Pro638= (NM_001198679.3); c.1821G>A, p.Pro607= (NM_001395209.1); c.1626G>A, p.Pro542= (NM_175635.3, NM_175636.2).
Identifiers: ClinVar variation 3058834 (VCV003058834.2), dbSNP rs371638102, ClinGen allele CA4805788.

ClinVar aggregate classification (germline): Likely benign (0 of 4 stars; one submission).

Conditions:
RUNX1T1-related disorder. Also called: RUNX1T1-related condition.

Allele frequency attached by ClinVar (database versions not stated): TOPMed 0.00002; gnomAD 0.00009; 1000 Genomes Project 0.00020; 1000 Genomes Project 30x 0.00031; ExAC 0.00060.
gnomAD v4.1: 322 of 1,611,542 alleles (0.02%); highest among the groups gnomAD compares: South Asian, 0.31%; 4 homozygotes.

Submission:

PreventionGenetics, part of Exact Sciences
Classification: Likely benign for RUNX1T1-related condition. Last evaluated: 2019-04-10. Review status: no assertion criteria provided. Collection method: clinical testing. Allele origin: germline.
Comment: This variant is classified as likely benign based on ACMG/AMP sequence variant interpretation guidelines (Richards et al. 2015 PMID: 25741868, with internal and published modifications).